The following is an entry in ClinVar:

NM_001004334.4(GPR179):c.6893G>A (p.Ser2298Asn)

Gene: GPR179 (G protein-coupled receptor 179; minus strand). Cytogenetic location: 17q12.
Variant type: single nucleotide variant.
Coding change: c.6893G>A on transcript NM_001004334.4 (MANE Select); coding-DNA position 6893, G replaced by A.
Protein change: p.Ser2298Asn; replaces serine 2298 with asparagine.
Molecular consequence: missense variant.
Genome position (GRCh38, 1-based): chr17:38,326,676, C>T on the plus strand (G>A on the coding strand, the complement: GPR179 is on the minus strand). VCF-style: chr17-38326676-C-T. GRCh37 (hg19) VCF-style: chr17-36482559-C-T.
Other names: short protein forms S2298N.
Identifiers: ClinVar variation 1506506 (VCV001506506.5), dbSNP rs750948935, ClinGen allele CA290102754.

ClinVar aggregate classification (germline): Uncertain significance (1 of 4 stars; one submission).

Allele frequency attached by ClinVar (database versions not stated): ExAC 0.00001; gnomAD 0.00001 and 0.00002; gnomAD exomes 0.00001 and 0.00002; TOPMed 0.00003.
gnomAD v4.1: 17 of 1,614,202 alleles (0.0011%); highest among the groups gnomAD compares: East Asian, 0.036%; no homozygotes.

Submission:

Labcorp Genetics (formerly Invitae), Labcorp
Classification: Uncertain significance. Last evaluated: 2021-08-30. Review status: criteria provided, single submitter. Criteria: Invitae Variant Classification Sherloc (09022015). Collection method: clinical testing. Allele origin: germline.
Comment: This sequence change replaces serine with asparagine at codon 2298 of the GPR179 protein (p.Ser2298Asn). The serine residue is weakly conserved and there is a small physicochemical difference between serine and asparagine. The frequency data for this variant in the population databases is considered unreliable, as metrics indicate poor data quality at this position in the ExAC database. This variant has not been reported in the literature in individuals affected with GPR179-related conditions. Algorithms developed to predict the effect of missense changes on protein structure and function output the following: SIFT: "Tolerated"; PolyPhen-2: "Benign"; Align-GVGD: "Class C0". The asparagine amino acid residue is found in multiple mammalian species, which suggests that this missense change does not adversely affect protein function. In summary, the available evidence is currently insufficient to determine the role of this variant in disease. Therefore, it has been classified as a Variant of Uncertain Significance.